The following is an entry in ClinVar:

NM_004415.4(DSP):c.2275G>A (p.Val759Ile)

Gene: DSP (desmoplakin; plus strand). Cytogenetic location: 6p24.3.
Variant type: single nucleotide variant.
Coding change: c.2275G>A on transcript NM_004415.4 (MANE Select); coding-DNA position 2275, G replaced by A.
Protein change: p.Val759Ile; replaces valine 759 with isoleucine.
Molecular consequence: missense variant.
Genome position (GRCh38, 1-based): chr6:7,574,230, G>A. VCF-style: chr6-7574230-G-A. GRCh37 (hg19) VCF-style: chr6-7574463-G-A.
Other names: c.2275G>A, p.Val759Ile (NM_001008844.3, NM_001319034.2); short protein forms V759I.
Identifiers: ClinVar variation 922599 (VCV000922599.11), dbSNP rs745544854, ClinGen allele CA032363.
Genomic context (GRCh38, chr6:7,574,230, plus strand): 5'-TACTGCTATTTACAGAATGAAGTATTTGGACTATTTCAGAAACTGGAAAATATCAATGGT[G>A]TTACAGATGGCTACTTAAATAGGTAAACTCAGCTAACACTAATCTCATATTTTCCTTTTC-3'
Protein context (NP_004406.2, residues 749-769): LFQKLENING[Val759Ile]TDGYLNSLCT

ClinVar aggregate classification (germline): Conflicting classifications of pathogenicity. Review status: criteria provided, conflicting classifications (1 of 4 stars). 4 submissions from 4 submitters: Uncertain significance (3); Likely benign (1). Last evaluated 2025-12-08.

Conditions:
Arrhythmogenic right ventricular dysplasia 8 (ARVD8). Also called: Arrhythmogenic Right Ventricular Dysplasia/Cardiomyopathy 8; ARRHYTHMOGENIC RIGHT VENTRICULAR DYSPLASIA, FAMILIAL, 8; ARRHYTHMOGENIC RIGHT VENTRICULAR CARDIOMYOPATHY 8. Identifiers: MedGen C1843896, MONDO:0011831, OMIM 607450.
Arrhythmogenic cardiomyopathy with wooly hair and keratoderma. Also called: PALMOPLANTAR KERATODERMA WITH LEFT VENTRICULAR CARDIOMYOPATHY AND WOOLLY HAIR; Carvajal syndrome; Dilated cardiomyopathy with woolly hair and keratoderma; Arrhythmogenic cardiomyopathy with woolly hair and keratoderma. Identifiers: Orphanet 65282, MedGen C1854063, MONDO:0011581, OMIM 605676.
Cardiomyopathy (CMYO). Also called: Cardiomyopathies. Identifiers: Orphanet 167848, MedGen C0878544, MONDO:0004994, HP:0001638. Inheritance: Various modes of inheritance.
Cardiovascular phenotype. Identifiers: MedGen CN230736.

Allele frequency attached by ClinVar (database versions not stated): gnomAD exomes below 0.00001 and 0.00001; ExAC 0.00001; TOPMed 0.00001; gnomAD 0.00002.
gnomAD v4.1: 18 of 1,613,738 alleles (0.0011%); highest among the groups gnomAD compares: Admixed American, 0.0017%; no homozygotes.

Submissions (4):

Labcorp Genetics (formerly Invitae), Labcorp
Classification: Likely benign for Arrhythmogenic cardiomyopathy with wooly hair and keratoderma; Arrhythmogenic right ventricular dysplasia 8. Last evaluated: 2025-12-08. Review status: criteria provided, single submitter. Criteria: Invitae Variant Classification Sherloc (09022015). Collection method: clinical testing. Allele origin: germline.

Color Diagnostics, LLC DBA Color Health
Classification: Uncertain significance for Cardiomyopathy. Last evaluated: 2024-03-06. Review status: criteria provided, single submitter. Criteria: ACMG Guidelines, 2015. Collection method: clinical testing. Allele origin: germline.
Comment: This missense variant replaces valine with isoleucine at codon 759 of the DSP protein. Computational prediction suggests that this variant may not impact protein structure and function (internally defined REVEL score threshold <= 0.5, PMID: 27666373). To our knowledge, functional studies have not been reported for this variant. This variant has not been reported in individuals affected with cardiovascular disorders in the literature. This variant has been identified in 3/282592 chromosomes in the general population by the Genome Aggregation Database (gnomAD). The available evidence is insufficient to determine the role of this variant in disease conclusively. Therefore, this variant is classified as a Variant of Uncertain Significance.

GeneDx
Classification: Uncertain significance. Last evaluated: 2023-06-29. Review status: criteria provided, single submitter. Criteria: GeneDx Variant Classification Process June 2021. Collection method: clinical testing. Allele origin: germline. Affected: yes.
Comment: Has not been previously published as pathogenic or benign to our knowledge; Not observed at significant frequency in large population cohorts (gnomAD); In silico analysis supports that this missense variant does not alter protein structure/function

Ambry Genetics
Classification: Uncertain significance for Cardiovascular phenotype. Last evaluated: 2020-11-20. Review status: criteria provided, single submitter. Criteria: Ambry Variant Classification Scheme 2023. Collection method: clinical testing. Allele origin: germline.
Comment: The p.V759I variant (also known as c.2275G>A), located in coding exon 16 of the DSP gene, results from a G to A substitution at nucleotide position 2275. The valine at codon 759 is replaced by isoleucine, an amino acid with highly similar properties. This amino acid position is highly conserved in available vertebrate species. In addition, this alteration is predicted to be tolerated by in silico analysis. Since supporting evidence is limited at this time, the clinical significance of this alteration remains unclear.